The following is an entry in ClinVar:

NM_001352514.2(HLCS):c.2036C>A (p.Ser679Tyr)

Gene: HLCS (holocarboxylase synthetase; minus strand). Cytogenetic location: 21q22.13.
Variant type: single nucleotide variant.
Coding change: c.2036C>A on transcript NM_001352514.2 (MANE Select); coding-DNA position 2036, C replaced by A.
Protein change: p.Ser679Tyr; replaces serine 679 with tyrosine.
Molecular consequence: missense variant. On other transcripts: non-coding transcript variant (2).
Genome position (GRCh38, 1-based): chr21:36,765,097, G>T on the plus strand (C>A on the coding strand, the complement: HLCS is on the minus strand). VCF-style: chr21-36765097-G-T. GRCh37 (hg19) VCF-style: chr21-38137398-G-T.
Other names: c.1595C>A, p.Ser532Tyr (NM_000411.8, NM_001242784.3, NM_001242785.2 and 4 more transcripts); short protein forms S532Y, S679Y.
Identifiers: ClinVar variation 426609 (VCV000426609.10), dbSNP rs777373322, ClinGen allele CA10020380.

ClinVar aggregate classification (germline): Uncertain significance. Review status: criteria provided, multiple submitters, no conflicts (2 of 4 stars). 4 submissions from 4 submitters: Uncertain significance (3). 1 of the submissions does not count toward it. Last evaluated 2023-05-03.

Conditions:
Holocarboxylase synthetase deficiency. Also called: MULTIPLE CARBOXYLASE DEFICIENCY, EARLY ONSET. Identifiers: Orphanet 79242, MedGen C0268581, MONDO:0009666, OMIM 253270.

Allele frequency attached by ClinVar (database versions not stated): gnomAD 0.00001; gnomAD exomes 0.00001 and 0.00002; TOPMed 0.00001; ExAC 0.00002.
gnomAD v4.1: 21 of 1,614,076 alleles (0.0013%); highest among the groups gnomAD compares: Non-Finnish European, 0.0016%; no homozygotes.

Submissions (4):

Blueprint Genetics
Classification: Uncertain significance. Last evaluated: 2023-05-03. Review status: criteria provided, single submitter. Criteria: ACMG Guidelines, 2015. Collection method: clinical testing. Allele origin: germline.

Labcorp Genetics (formerly Invitae), Labcorp
Classification: Uncertain significance for Holocarboxylase synthetase deficiency. Last evaluated: 2022-08-16. Review status: criteria provided, single submitter. Criteria: Invitae Variant Classification Sherloc (09022015). Collection method: clinical testing. Allele origin: germline.
Comment: This sequence change replaces serine, which is neutral and polar, with tyrosine, which is neutral and polar, at codon 532 of the HLCS protein (p.Ser532Tyr). This variant is present in population databases (rs777373322, gnomAD 0.004%). This variant has not been reported in the literature in individuals affected with HLCS-related conditions. ClinVar contains an entry for this variant (Variation ID: 426609). Advanced modeling of protein sequence and biophysical properties (such as structural, functional, and spatial information, amino acid conservation, physicochemical variation, residue mobility, and thermodynamic stability) performed at Invitae indicates that this missense variant is expected to disrupt HLCS protein function. In summary, the available evidence is currently insufficient to determine the role of this variant in disease. Therefore, it has been classified as a Variant of Uncertain Significance.

GeneDx
Classification: Uncertain significance. Last evaluated: 2018-06-22. Review status: criteria provided, single submitter. Criteria: GeneDx Variant Classification (06012015). Collection method: clinical testing. Allele origin: germline. Affected: yes.
Comment: The S532Y variant has not been published as a pathogenic variant, nor has it been reported as a benign variant to our knowledge. The S532Y variant is not observed at a significant frequency in large population cohorts (Lek et al., 2016; 1000 Genomes Consortium et al., 2015; Exome Variant Server). The S532Y variant is a semi-conservative amino acid substitution, which may impact secondary protein structure as these residues differ in some properties. This substitution occurs at a position that is conserved across species, and in silico analysis predicts this variant is probably damaging to the protein structure/function. In summary, based on the currently available information, it is unclear whether this variant is a pathogenic variant or a rare benign variant.

Natera, Inc.
Classification: Uncertain significance for Holocarboxylase synthetase deficiency. Last evaluated: 2019-10-28. Review status: no assertion criteria provided. Collection method: clinical testing. Allele origin: germline. Not counted in ClinVar's aggregate classification.